The following is an entry in ClinVar:

ClinVar aggregate classification (germline): Likely benign. Review status: criteria provided, single submitter (1 of 4 stars). 2 submissions from 2 submitters: Likely benign (1). 1 of the submissions does not count toward it. Last evaluated 2024-04-18.

Conditions:
PKLR-related disorder. Also called: PKLR-related condition.

Allele frequency attached by ClinVar (database versions not stated): ExAC 0.00005; ESP Exome Variant Server 0.00015; gnomAD exomes 0.00025.
gnomAD v4.1: 376 of 1,614,124 alleles (0.023%); highest among the groups gnomAD compares: Non-Finnish European, 0.031%; 1 homozygote.

Submissions (2):

Labcorp Genetics (formerly Invitae), Labcorp
Classification: Likely benign. Last evaluated: 2024-04-18. Review status: criteria provided, single submitter. Criteria: Invitae Variant Classification Sherloc (09022015). Collection method: clinical testing. Allele origin: germline.

PreventionGenetics, part of Exact Sciences
Classification: Likely benign for PKLR-related condition. Last evaluated: 2019-03-04. Review status: no assertion criteria provided. Collection method: clinical testing. Allele origin: germline. Not counted in ClinVar's aggregate classification.
Comment: This variant is classified as likely benign based on ACMG/AMP sequence variant interpretation guidelines (Richards et al. 2015 PMID: 25741868, with internal and published modifications).

NM_000298.6(PKLR):c.858C>A (p.Ser286=)

Gene: PKLR (pyruvate kinase L/R; minus strand). Cytogenetic location: 1q22.
Variant type: single nucleotide variant.
Coding change: c.858C>A on transcript NM_000298.6 (MANE Select); coding-DNA position 858, C replaced by A.
Protein change: p.Ser286=; no amino-acid change (serine 286 retained).
Molecular consequence: synonymous variant.
Genome position (GRCh38, 1-based): chr1:155,294,589, G>T on the plus strand (C>A on the coding strand, the complement: PKLR is on the minus strand). VCF-style: chr1-155294589-G-T. GRCh37 (hg19) VCF-style: chr1-155264380-G-T.
Other names: c.765C>A, p.Ser255= (NM_181871.4).
Identifiers: ClinVar variation 3035365 (VCV003035365.4), dbSNP rs150532071, ClinGen allele CA1144192.